The following is an entry in ClinVar:

ClinVar aggregate classification (germline): Uncertain significance. Review status: criteria provided, multiple submitters, no conflicts (2 of 4 stars). 2 submissions from 2 submitters: Uncertain significance (2). Last evaluated 2024-01-16.

Conditions:
POLD1-related polyposis and colorectal cancer syndrome (CRCS10). Also called: Colorectal cancer 10; COLORECTAL CANCER, SUSCEPTIBILITY TO, ON CHROMOSOME 19q; Colorectal cancer, susceptibility to, 10. Identifiers: Orphanet 220460, MedGen C2675481, MONDO:0012953, OMIM 612591.
Hereditary cancer-predisposing syndrome. Also called: Tumor predisposition; Hereditary Cancer Syndrome; Hereditary neoplastic syndrome; Neoplastic Syndromes, Hereditary. Identifiers: Orphanet 140162, MedGen C0027672, MeSH D009386, MONDO:0015356.

Submissions (2):

Labcorp Genetics (formerly Invitae), Labcorp
Classification: Uncertain significance for POLD1-related polyposis and colorectal cancer syndrome. Last evaluated: 2024-01-16. Review status: criteria provided, single submitter. Criteria: Invitae Variant Classification Sherloc (09022015). Collection method: clinical testing. Allele origin: germline.
Comment: This sequence change replaces alanine, which is neutral and non-polar, with glycine, which is neutral and non-polar, at codon 749 of the POLD1 protein (p.Ala749Gly). This variant is not present in population databases (gnomAD no frequency). This variant has not been reported in the literature in individuals affected with POLD1-related conditions. ClinVar contains an entry for this variant (Variation ID: 1788347). Advanced modeling of protein sequence and biophysical properties (such as structural, functional, and spatial information, amino acid conservation, physicochemical variation, residue mobility, and thermodynamic stability) performed at Invitae indicates that this missense variant is expected to disrupt POLD1 protein function with a positive predictive value of 80%. In summary, the available evidence is currently insufficient to determine the role of this variant in disease. Therefore, it has been classified as a Variant of Uncertain Significance.

Ambry Genetics
Classification: Uncertain significance for Hereditary cancer-predisposing syndrome. Last evaluated: 2023-12-14. Review status: criteria provided, single submitter. Criteria: Ambry Variant Classification Scheme 2023. Collection method: clinical testing. Allele origin: germline.
Comment: The p.A749G variant (also known as c.2246C>G), located in coding exon 17 of the POLD1 gene, results from a C to G substitution at nucleotide position 2246. The alanine at codon 749 is replaced by glycine, an amino acid with similar properties. This amino acid position is conserved. In addition, this alteration is predicted to be tolerated by in silico analysis. Since supporting evidence is limited at this time, the clinical significance of this alteration remains unclear.

NM_002691.4(POLD1):c.2246C>G (p.Ala749Gly)

Gene: POLD1 (DNA polymerase delta 1, catalytic subunit; plus strand). Cytogenetic location: 19q13.33.
Variant type: single nucleotide variant.
Coding change: c.2246C>G on transcript NM_002691.4 (MANE Select); coding-DNA position 2246, C replaced by G.
Protein change: p.Ala749Gly; replaces alanine 749 with glycine.
Molecular consequence: missense variant. On other transcripts: non-coding transcript variant (1).
Genome position (GRCh38, 1-based): chr19:50,413,517, C>G. VCF-style: chr19-50413517-C-G. GRCh37 (hg19) VCF-style: chr19-50916774-C-G.
Other names: c.2246C>G, p.Ala749Gly (NM_001256849.1); c.2324C>G, p.Ala775Gly (NM_001308632.1); short protein forms A749G, A775G.
Identifiers: ClinVar variation 1788347 (VCV001788347.5), dbSNP rs1244269995, ClinGen allele CA406983843.